The following is an entry in ClinVar:

ClinVar aggregate classification (germline): Uncertain significance (1 of 4 stars; one submission).

Conditions:
Familial colorectal cancer. Identifiers: MedGen CN280943, MONDO:0023113. Disease mechanism: loss of function.

Submission:

Labcorp Genetics (formerly Invitae), Labcorp
Classification: Uncertain significance for Familial colorectal cancer. Last evaluated: 2022-10-27. Review status: criteria provided, single submitter. Criteria: Invitae Variant Classification Sherloc (09022015). Collection method: clinical testing. Allele origin: germline.
Comment: This variant results in a copy number gain of the genomic region encompassing the promoter of the GREM1 gene. The precise boundaries of this event are unknown. Two different tandem duplications (40 kb and 16 kb) spanning the 3' end of the SCG5 gene and the region upstream of the GREM1 gene have been reported in families with hereditary mixed polyposis syndrome (PMID: 22561515, 25992589, 26493165). However, the gain identified in this individual is different from those variants, and therefore the impact of the additional duplicated sequences on GREM1 expression and function has not been established. In summary, the available evidence is currently insufficient to determine the role of this variant in disease. Therefore, it has been classified as a Variant of Uncertain Significance.

Literature cited by the submitters: PubMed 22561515; PubMed 25992589; PubMed 26493165.

NC_000015.10:g.(?_32672688)_(32731245_?)dup

Genes: GREM1 (gremlin 1, DAN family BMP antagonist; plus strand), SCG5 (secretogranin V; plus strand). Cytogenetic location: 15q13.3.
Variant type: Duplication.
Identifiers: ClinVar variation 830437 (VCV000830437.3).